The following is an entry in ClinVar:

ClinVar aggregate classification (germline): Benign/Likely benign. Review status: criteria provided, multiple submitters, no conflicts (2 of 4 stars). 2 submissions from 2 submitters: Benign (1); Likely benign (1). Last evaluated 2026-01-15.

Submissions (2):

Labcorp Genetics (formerly Invitae), Labcorp
Classification: Benign. Last evaluated: 2026-01-15. Review status: criteria provided, single submitter. Criteria: Invitae Variant Classification Sherloc (09022015). Collection method: clinical testing. Allele origin: germline.

GeneDx
Classification: Likely benign. Last evaluated: 2018-01-17. Review status: criteria provided, single submitter. Criteria: GeneDx Variant Classification (06012015). Collection method: clinical testing. Allele origin: germline. Affected: yes.
Comment: This variant is considered likely benign or benign based on one or more of the following criteria: it is a conservative change, it occurs at a poorly conserved position in the protein, it is predicted to be benign by multiple in silico algorithms, and/or has population frequency not consistent with disease.

NM_015971.4(MRPS7):c.84-7dup

Gene: MRPS7 (mitochondrial ribosomal protein S7; plus strand). Cytogenetic location: 17q25.1.
Variant type: Duplication.
Coding change: c.84-7dup on transcript NM_015971.4 (MANE Select); 7 bases into the intron before coding-DNA position 84, one base duplicated (C; older notation c.84-7dupC).
Molecular consequence: intron variant.
Genome position (GRCh38, 1-based): chr17:75,262,490, C duplicated; the last of 7 consecutive C bases (chr17:75,262,484-75,262,490); duplicating any one gives the same sequence. VCF-style (leftmost placement, unchanged base first): chr17-75262483-T-TC. GRCh37 (hg19) VCF-style: chr17-73258564-T-TC.
Other names: c.84-7dupC (NM_015971.3).
Identifiers: ClinVar variation 422926 (VCV000422926.4), dbSNP rs769582282, ClinGen allele CA8760276.
Genomic context (GRCh38, chr17:75,262,483, plus strand): 5'-TGCCTATTGTTAAGTCAAACCTACTCGCTTGTGGAGTCAGCTTTTGCCTGCCTCCTCCTT[T>TC]CCCCCCCTCCCAGGCTAACTCAGGTGAGATGGAGCCGCTATAGTCCTGAATTCAAGGATC-3'